The following is an entry in ClinVar:

ClinVar aggregate classification (germline): Pathogenic (1 of 4 stars; one submission).

Conditions:
Baller-Gerold syndrome (BGS). Also called: CRANIOSYNOSTOSIS WITH RADIAL DEFECTS. Identifiers: Orphanet 1225, MedGen C0265308, MONDO:0009039, OMIM 218600.

Submission:

Labcorp Genetics (formerly Invitae), Labcorp
Classification: Pathogenic for Baller-Gerold syndrome. Last evaluated: 2025-04-28. Review status: criteria provided, single submitter. Criteria: Invitae Variant Classification Sherloc (09022015). Collection method: clinical testing. Allele origin: germline.
Comment: This sequence change creates a premature translational stop signal (p.Gln181*) in the RECQL4 gene. It is expected to result in an absent or disrupted protein product. Loss-of-function variants in RECQL4 are known to be pathogenic (PMID: 12734318, 12952869). This variant is not present in population databases (gnomAD no frequency). This variant has not been reported in the literature in individuals affected with RECQL4-related conditions. ClinVar contains an entry for this variant (Variation ID: 2727947). For these reasons, this variant has been classified as Pathogenic.

Literature cited by the submitters: PubMed 12734318; PubMed 12952869.

NM_004260.4(RECQL4):c.541C>T (p.Gln181Ter)

Gene: RECQL4 (RecQ like helicase 4; minus strand). Cytogenetic location: 8q24.3.
Variant type: single nucleotide variant.
Coding change: c.541C>T on transcript NM_004260.4 (MANE Select); coding-DNA position 541, C replaced by T.
Protein change: p.Gln181Ter; replaces glutamine 181 with a stop codon.
Molecular consequence: nonsense. On other transcripts: 5 prime UTR variant (15), non-coding transcript variant (3), intron variant (3).
Genome position (GRCh38, 1-based): chr8:144,516,578, G>A on the plus strand (C>T on the coding strand, the complement: RECQL4 is on the minus strand). VCF-style: chr8-144516578-G-A. GRCh37 (hg19) VCF-style: chr8-145741962-G-A.
Other names: c.541C>T, p.Gln181Ter (NM_001413017.1, NM_001413018.1, NM_001413019.1 and 4 more transcripts); c.-531C>T (NM_001413022.1, NM_001413023.1, NM_001413024.1 and 5 more transcripts); c.412C>T, p.Gln138Ter (NM_001413025.1); c.-593C>T (NM_001413027.1, NM_001413030.1, NM_001413031.1 and 2 more transcripts); c.-435C>T (NM_001413034.1); c.-800C>T (NM_001413043.1); c.355-165C>T (NM_001413029.1); c.-366-165C>T (NM_001413021.1); and 1 more; short protein forms Q138*, Q181*.
Identifiers: ClinVar variation 2727947 (VCV002727947.3), dbSNP rs375356144, ClinGen allele CA372691093.